The following is an entry in ClinVar:

NM_001365951.3(KIF1B):c.4094T>C (p.Leu1365Pro)

Gene: KIF1B (kinesin family member 1B; plus strand). Cytogenetic location: 1p36.22.
Variant type: single nucleotide variant.
Coding change: c.4094T>C on transcript NM_001365951.3 (MANE Select); coding-DNA position 4094, T replaced by C.
Protein change: p.Leu1365Pro; replaces leucine 1365 with proline.
Molecular consequence: missense variant.
Genome position (GRCh38, 1-based): chr1:10,360,967, T>C. VCF-style: chr1-10360967-T-C. GRCh37 (hg19) VCF-style: chr1-10421025-T-C.
Other names: c.4094T>C, p.Leu1365Pro (NM_001365952.1); c.3956T>C, p.Leu1319Pro (NM_015074.3); short protein forms L1319P, L1365P.
Identifiers: ClinVar variation 2707803 (VCV002707803.3), dbSNP rs2521877847, ClinGen allele CA338315970.

ClinVar aggregate classification (germline): Uncertain significance (1 of 4 stars; one submission).

Conditions:
Charcot-Marie-Tooth disease type 2. Also called: Charcot-Marie-Tooth type 2. Identifiers: Orphanet 64746, MedGen C0270914, MONDO:0018993.

Submission:

Labcorp Genetics (formerly Invitae), Labcorp
Classification: Uncertain significance for Charcot-Marie-Tooth disease type 2. Last evaluated: 2023-06-10. Review status: criteria provided, single submitter. Criteria: Invitae Variant Classification Sherloc (09022015). Collection method: clinical testing. Allele origin: germline.
Comment: This sequence change replaces leucine, which is neutral and non-polar, with proline, which is neutral and non-polar, at codon 1319 of the KIF1B protein (p.Leu1319Pro). In summary, the available evidence is currently insufficient to determine the role of this variant in disease. Therefore, it has been classified as a Variant of Uncertain Significance. An algorithm developed to predict the effect of missense changes on protein structure and function (PolyPhen-2) suggests that this variant is likely to be disruptive. This variant has not been reported in the literature in individuals affected with KIF1B-related conditions. This variant is not present in population databases (gnomAD no frequency).